The following is an entry in ClinVar:

ClinVar aggregate classification (germline): Uncertain significance. Review status: criteria provided, multiple submitters, no conflicts (2 of 4 stars). 3 submissions from 3 submitters: Uncertain significance (2). 1 of the submissions does not count toward it. Last evaluated 2026-02-17.

Conditions:
VPS13B-related disorder. Also called: VPS13B-related condition.
Cohen syndrome (COH1). Also called: PEPPER SYNDROME; Cutis verticis gyrata, retinitis pigmentosa, and sensorineural deafness. Identifiers: Orphanet 193, MedGen C0265223, MONDO:0008999, OMIM 216550.

Allele frequency attached by ClinVar (database versions not stated): gnomAD 0.00001; TOPMed 0.00004; ESP Exome Variant Server 0.00015; ExAC 0.00002; gnomAD exomes 0.00002.
gnomAD v4.1: 20 of 1,614,002 alleles (0.0012%); highest among the groups gnomAD compares: Middle Eastern, 0.016%; no homozygotes.

Submissions (3):

PreventionGenetics, part of Exact Sciences
Classification: Uncertain significance for VPS13B-related condition. Last evaluated: 2026-02-17. Review status: criteria provided, single submitter. Criteria: ACMG Guidelines, 2015. Collection method: clinical testing. Allele origin: germline.
Comment: The VPS13B c.10976G>A variant is predicted to result in the amino acid substitution p.Arg3659Gln. To our knowledge, this variant has not been reported in the literature. This variant is reported in 5 alleles out of 282806 alleles in gnomAD. At this time, the clinical significance of this variant is uncertain due to the absence of conclusive functional and genetic evidence.

Labcorp Genetics (formerly Invitae), Labcorp
Classification: Uncertain significance for Cohen syndrome. Last evaluated: 2024-01-11. Review status: criteria provided, single submitter. Criteria: Invitae Variant Classification Sherloc (09022015). Collection method: clinical testing. Allele origin: germline.
Comment: This sequence change replaces arginine, which is basic and polar, with glutamine, which is neutral and polar, at codon 3684 of the VPS13B protein (p.Arg3684Gln). This variant is present in population databases (rs370507425, gnomAD 0.01%). This variant has not been reported in the literature in individuals affected with VPS13B-related conditions. ClinVar contains an entry for this variant (Variation ID: 969465). Advanced modeling of protein sequence and biophysical properties (such as structural, functional, and spatial information, amino acid conservation, physicochemical variation, residue mobility, and thermodynamic stability) performed at Invitae indicates that this missense variant is expected to disrupt VPS13B protein function with a positive predictive value of 80%. In summary, the available evidence is currently insufficient to determine the role of this variant in disease. Therefore, it has been classified as a Variant of Uncertain Significance.

Natera, Inc.
Classification: Uncertain significance for Cohen syndrome. Last evaluated: 2020-01-24. Review status: no assertion criteria provided. Collection method: clinical testing. Allele origin: germline. Not counted in ClinVar's aggregate classification.

NM_152564.5(VPS13B):c.10976G>A (p.Arg3659Gln)

Gene: VPS13B (vacuolar protein sorting 13 homolog B; plus strand). Cytogenetic location: 8q22.2.
Variant type: single nucleotide variant.
Coding change: c.10976G>A on transcript NM_152564.5 (MANE Select); coding-DNA position 10976, G replaced by A.
Protein change: p.Arg3659Gln; replaces arginine 3659 with glutamine.
Molecular consequence: missense variant.
Genome position (GRCh38, 1-based): chr8:99,859,412, G>A. VCF-style: chr8-99859412-G-A. GRCh37 (hg19) VCF-style: chr8-100871640-G-A.
Other names: c.10976G>A (NM_152564.4); c.11051G>A, p.Arg3684Gln (NM_017890.5); short protein forms R3684Q, R3659Q.
Identifiers: ClinVar variation 969465 (VCV000969465.9), dbSNP rs370507425, ClinGen allele CA4825083.